The following is an entry in ClinVar:

NM_000059.4(BRCA2):c.8206del (p.Leu2736fs)

Gene: BRCA2 (BRCA2 DNA repair associated; plus strand). Cytogenetic location: 13q13.1.
Variant type: Deletion.
Coding change: c.8206del on transcript NM_000059.4 (MANE Select); coding-DNA position 8206, one base deleted (C; older notation c.8206delC).
Protein change: p.Leu2736fs; shifts the reading frame from leucine 2736.
Molecular consequence: frameshift variant.
Genome position (GRCh38, 1-based): chr13:32,363,408, C deleted; the last of 4 consecutive C bases (chr13:32,363,405-32,363,408); deleting any one gives the same sequence. VCF-style (leftmost placement, unchanged base first): chr13-32363404-TC-T. GRCh37 (hg19) VCF-style: chr13-32937541-TC-T.
Other names: c.8203delC (NM_000059.3); short protein forms L2736fs.
Identifiers: ClinVar variation 430598 (VCV000430598.3), dbSNP rs397507396, ClinGen allele CA645509333.

ClinVar aggregate classification (germline): Pathogenic. Review status: reviewed by expert panel (3 of 4 stars). 2 submissions from 2 submitters: Pathogenic (1). 1 of the submissions does not count toward it. Last evaluated 2017-12-15.

Conditions:
Breast-ovarian cancer, familial, susceptibility to, 2 (BROVCA2). Also called: BRCA2 Hereditary Breast and Ovarian Cancer. Identifiers: Orphanet 145, MedGen C2675520, MONDO:0012933, OMIM 612555. Disease mechanism: loss of function.
Breast neoplasm. Also called: Breast Neoplasms; Neoplasm of the breast; Neoplasm of breast; Breast tumor. Identifiers: MedGen C1458155, MeSH D001943, MONDO:0021100, HP:0100013. Disease mechanism: gain of function.

Submissions (2):

Evidence-based Network for the Interpretation of Germline Mutant Alleles (ENIGMA)
Classification: Pathogenic for Breast-ovarian cancer, familial, susceptibility to, 2. Last evaluated: 2017-12-15. Review status: reviewed by expert panel. Criteria: ENIGMA BRCA1/2 Classification Criteria (2017-06-29). Collection method: curation. Allele origin: germline. Study: ENIGMA.
Comment: Variant allele predicted to encode a truncated non-functional protein.

Yang An-Suei Laboratory, Academia Sinica
Classification: Pathogenic for breast cancer. Review status: criteria provided, single submitter. Criteria: Submitter's publication. Collection method: clinical testing. Allele origin: germline. Affected: yes. Not counted in ClinVar's aggregate classification.